The following is an entry in ClinVar:

NM_004035.7(ACOX1):c.276del (p.His93fs)

Gene: ACOX1 (acyl-CoA oxidase 1; minus strand). Cytogenetic location: 17q25.1.
Variant type: Deletion.
Coding change: c.276del on transcript NM_004035.7 (MANE Select); coding-DNA position 276, one base deleted (G; older notation c.276delG).
Protein change: p.His93fs; shifts the reading frame from histidine 93.
Molecular consequence: frameshift variant. On other transcripts: intron variant (1).
Genome position (GRCh38, 1-based): chr17:75,960,369, C deleted on the plus strand (G on the coding strand, the reverse complement: ACOX1 is on the minus strand). VCF-style (leftmost placement, unchanged base first): chr17-75960368-GC-G. GRCh37 (hg19) VCF-style: chr17-73956449-GC-G.
Other names: c.162del, p.His55fs (NM_001185039.2); c.431-2803del (NM_007292.6); short protein forms H55fs, H93fs.
Identifiers: ClinVar variation 861543 (VCV000861543.7), dbSNP rs2065876304, ClinGen allele CA916083626.
Genomic context (GRCh38, chr17:75,960,368, plus strand): 5'-GAAGCAAGGTGGGCAGGAACATGCCCAAGTGAAGATCCAGAGGCTCAGGCCGCCCTCGGT[GC>G]ACAAAACTTCGAGGAAATATCAAGGATGGGCATTTGAGAGAAGAGTCATCAGGTGTGAGA-3'

ClinVar aggregate classification (germline): Pathogenic (1 of 4 stars; one submission).

Conditions:
Acyl-CoA oxidase deficiency. Also called: STRAIGHT-CHAIN ACYL-CoA OXIDASE DEFICIENCY; Pseudoneonatal adrenoleukodystrophy; Peroxisomal acyl-CoA oxidase deficiency. Identifiers: Orphanet 2971, MedGen C1849678, MONDO:0009919, OMIM 264470. Disease mechanism: loss of function.

Submission:

Labcorp Genetics (formerly Invitae), Labcorp
Classification: Pathogenic for Acyl-CoA oxidase deficiency. Last evaluated: 2022-02-10. Review status: criteria provided, single submitter. Criteria: Invitae Variant Classification Sherloc (09022015). Collection method: clinical testing. Allele origin: germline.
Comment: This variant has not been reported in the literature in individuals affected with ACOX1-related conditions. This variant is not present in population databases (gnomAD no frequency). This sequence change creates a premature translational stop signal (p.His93Thrfs*78) in the ACOX1 gene. It is expected to result in an absent or disrupted protein product. Loss-of-function variants in ACOX1 are known to be pathogenic (PMID: 8040306, 17458872). ClinVar contains an entry for this variant (Variation ID: 861543). For these reasons, this variant has been classified as Pathogenic.

Literature cited by the submitters: PubMed 8040306; PubMed 17458872.